The following is an entry in ClinVar:

NM_001009944.3(PKD1):c.2068G>A (p.Val690Ile)

Gene: PKD1 (polycystin 1, transient receptor potential channel interacting; minus strand). Cytogenetic location: 16p13.3.
Variant type: single nucleotide variant.
Coding change: c.2068G>A on transcript NM_001009944.3 (MANE Select); coding-DNA position 2068, G replaced by A.
Protein change: p.Val690Ile; replaces valine 690 with isoleucine.
Molecular consequence: missense variant.
Genome position (GRCh38, 1-based): chr16:2,115,407, C>T on the plus strand (G>A on the coding strand, the complement: PKD1 is on the minus strand). VCF-style: chr16-2115407-C-T. GRCh37 (hg19) VCF-style: chr16-2165408-C-T.
Other names: c.2068G>A (NM_000296.3); c.2068G>A, p.Val690Ile (NM_000296.4); short protein forms V690I.
Identifiers: ClinVar variation 997184 (VCV000997184.2), dbSNP rs948344824, ClinGen allele CA276782993.

ClinVar aggregate classification (germline): Uncertain significance. Review status: criteria provided, single submitter (1 of 4 stars). 2 submissions from 2 submitters: Uncertain significance (1). 1 of the submissions does not count toward it. Last evaluated 2026-03-31.

Conditions:
Inborn genetic diseases. Identifiers: MedGen C0950123, MeSH D030342.
Polycystic kidney disease. Also called: Polycystic kidney dysplasia; Kidney, Polycystic. Identifiers: MedGen C0022680, MeSH D007690, MONDO:0020642, HP:0000113.

Allele frequency attached by ClinVar (database versions not stated): gnomAD exomes 0.00001; gnomAD 0.00002; TOPMed 0.00003.
gnomAD v4.1: 10 of 1,570,184 alleles (0.00064%); highest among the groups gnomAD compares: African/African-American, 0.0054%; no homozygotes.

Submissions (2):

Ambry Genetics
Classification: Uncertain significance for Inborn genetic diseases. Last evaluated: 2026-03-31. Review status: criteria provided, single submitter. Criteria: Ambry Variant Classification Scheme 2023. Collection method: clinical testing. Allele origin: germline.
Comment: The c.2068G>A (p.V690I) alteration is located in exon 10 (coding exon 10) of the PKD1 gene. This alteration results from a G to A substitution at nucleotide position 2068, causing the valine (V) at amino acid position 690 to be replaced by an isoleucine (I). Based on data from gnomAD, the A allele has an overall frequency of 0.001% (1/170520) total alleles studied. The highest observed frequency was 0.004% (1/24064) of South Asian alleles. Based on insufficient or conflicting evidence, the clinical significance of this alteration remains unclear.

Department of Pathology and Laboratory Medicine, Sinai Health System
Classification: Likely benign for Polycystic Kidney disease. Review status: no assertion criteria provided. Collection method: clinical testing. Allele origin: unknown. Affected: yes. Study: The Canadian Open Genetics Repository (COGR). Not counted in ClinVar's aggregate classification.
Comment: The PKD1 p.Val690Ile variant was identified in 1 of 296 proband chromosomes (frequency: 0.003) from Chinese individuals or families with ADPKD (Jin_2016). The variant was also identified in dbSNP (ID: rs948344824), and in control databases in 1 of 165228 chromosomes at a frequency of 0.000006 (Genome Aggregation Database Feb 27, 2017). It was observed in the South Asian population in 1 of 24174 chromosomes (freq: 0.00004), but not in the African, Other, Latino, European Non-Finnish, Ashkenazi Jewish, East Asian and Finnish populations. The variant was not identified in ClinVar, COGR, LOVD 3.0, ADPKD Mutation Database, and PKD1-LOVD databases. The p.Val690 residue is not conserved in mammals and computational analyses (PolyPhen-2, SIFT, AlignGVGD, BLOSUM, MutationTaster) do not suggest a high likelihood of impact of the variant Ile to the protein; however, this information is not predictive enough to rule out pathogenicity. The variant occurs outside of the splicing consensus sequence and in silico or computational prediction software programs (SpliceSiteFinder, MaxEntScan, NNSPLICE, GeneSplicer, HumanSpliceFinder) do not predict a difference in splicing. In summary, based on the above information the clinical significance of this variant cannot be determined with certainty at this time although we would lean towards a more benign role for this variant. This variant is classified as likely benign.